The following is an entry in ClinVar:

ClinVar aggregate classification (germline): Likely benign (1 of 4 stars; one submission).

Submission:

CeGaT Center for Human Genetics Tuebingen
Classification: Likely benign. Last evaluated: 2023-06-01. Review status: criteria provided, single submitter. Criteria: CeGaT Center For Human Genetics Tuebingen Variant Classification Criteria Version 2. Collection method: clinical testing. Allele origin: germline. Affected: yes. Observed: 1 variant allele.
Comment: MXRA5: BP4, BS2

NM_015419.4(MXRA5):c.6579-7dup

Gene: MXRA5 (matrix remodeling associated 5; minus strand). Cytogenetic location: Xp22.33.
Variant type: Duplication.
Coding change: c.6579-7dup on transcript NM_015419.4 (MANE Select); 7 bases into the intron before coding-DNA position 6579, one base duplicated (T; older notation c.6579-7dupT).
Molecular consequence: intron variant.
Genome position (GRCh38, 1-based): chrX:3,311,631, A duplicated on the plus strand (T on the coding strand, the reverse complement: MXRA5 is on the minus strand); the first of 7 consecutive A bases (chrX:3,311,631-3,311,637); duplicating any one gives the same sequence. VCF-style (leftmost placement, unchanged base first): chrX-3311630-G-GA. GRCh37 (hg19) VCF-style: chrX-3229671-G-GA.
Identifiers: ClinVar variation 2659878 (VCV002659878.24), dbSNP rs753150083, ClinGen allele CA10339570.
Genomic context (GRCh38, chrX:3,311,630, plus strand): 5'-CACTGATTTCACCACCAGGGTCCCATTGGCAAACACCTTGATTCTGCTATCAAAACTACA[G>GA]AAAAAAAGAAAAAGGAGTAAGATGTCAGTTTCCCAAATGCTCTAGTGTGGCATTAGGTCG-3'